The following is an entry in ClinVar:

NM_003366.4(UQCRC2):c.1014T>G (p.Ile338Met)

Genes: PDZD9 (PDZ domain containing 9), UQCRC2 (ubiquinol-cytochrome c reductase core protein 2). Cytogenetic location: 16p12.2.
Variant type: single nucleotide variant.
Coding change: c.1014T>G on transcript NM_003366.4 (MANE Select); coding-DNA position 1014, T replaced by G.
Protein change: p.Ile338Met; replaces isoleucine 338 with methionine.
Molecular consequence: missense variant.
Genome position (GRCh38, 1-based): chr16:21,973,943, T>G. VCF-style: chr16-21973943-T-G. GRCh37 (hg19) VCF-style: chr16-21985264-T-G.
Other names: short protein forms I338M.
Identifiers: ClinVar variation 1973240 (VCV001973240.2), dbSNP rs896150573, ClinGen allele CA279614501.
Genomic context (GRCh38, chr16:21,973,943, plus strand): 5'-CATTATCTTTCAGGTTTCTGCATTTAATGCCAGTTACTCAGATTCTGGACTCTTTGGGAT[T>G]TATACTATCTCCCAGGCCACAGCTGCTGGAGATGTAAGTTGCAAACTCACCAAACTTCTT-3'
Protein context (NP_003357.2, residues 328-348): ASYSDSGLFG[Ile338Met]YTISQATAAG

ClinVar aggregate classification (germline): Uncertain significance (1 of 4 stars; one submission).

gnomAD v4.1: 1 of 1,611,998 alleles (0.000062%); no homozygotes.

Submission:

Labcorp Genetics (formerly Invitae), Labcorp
Classification: Uncertain significance. Last evaluated: 2022-01-31. Review status: criteria provided, single submitter. Criteria: Invitae Variant Classification Sherloc (09022015). Collection method: clinical testing. Allele origin: germline.
Comment: This sequence change replaces isoleucine, which is neutral and non-polar, with methionine, which is neutral and non-polar, at codon 338 of the UQCRC2 protein (p.Ile338Met). This variant is not present in population databases (gnomAD no frequency). This variant has not been reported in the literature in individuals affected with UQCRC2-related conditions. Algorithms developed to predict the effect of missense changes on protein structure and function are either unavailable or do not agree on the potential impact of this missense change (SIFT: "Deleterious"; PolyPhen-2: "Benign"; Align-GVGD: "Class C0"). In summary, the available evidence is currently insufficient to determine the role of this variant in disease. Therefore, it has been classified as a Variant of Uncertain Significance.